The following is an entry in ClinVar:

NM_003227.4(TFR2):c.523_524del (p.Leu175fs)

Gene: TFR2 (transferrin receptor 2; minus strand). Cytogenetic location: 7q22.1.
Variant type: Microsatellite.
Coding change: c.523_524del on transcript NM_003227.4 (MANE Select); coding-DNA positions 523 to 524, 2 bases deleted (CT; older notation c.523_524delCT).
Protein change: p.Leu175fs; shifts the reading frame from leucine 175.
Molecular consequence: frameshift variant.
Genome position (GRCh38, 1-based): chr7:100,633,506-100,633,507, AG deleted on the plus strand (CT on the coding strand, the reverse complement: TFR2 is on the minus strand); deleting any 2 consecutive bases within chr7:100,633,506-100,633,509 gives the same sequence; the c. name uses the placement nearest the transcript's 3' end. VCF-style (leftmost placement, unchanged base first): chr7-100633505-CAG-C. GRCh37 (hg19) VCF-style: chr7-100231128-CAG-C.
Other names: c.10_11del, p.Leu4fs (NM_001206855.3); short protein forms L175fs, L4fs.
Identifiers: ClinVar variation 2143093 (VCV002143093.5), dbSNP rs1803510959, ClinGen allele CA1105041731.

ClinVar aggregate classification (germline): Pathogenic/Likely pathogenic. Review status: criteria provided, multiple submitters, no conflicts (2 of 4 stars). 2 submissions from 2 submitters: Pathogenic (1); Likely pathogenic (1). Last evaluated 2023-09-20.

Conditions:
Hemochromatosis type 3 (HFE3). Also called: Hereditary hemochromatosis type 3; TFR2-Related Hemochromatosis; HEMOCHROMATOSIS DUE TO DEFECT IN TRANSFERRIN RECEPTOR 2. Identifiers: Orphanet 225123, MedGen C1858664, MONDO:0011417, OMIM 604250.
Hereditary hemochromatosis (HFE). Identifiers: MedGen C0392514, MONDO:0006507. Disease mechanism: loss of function.

Submissions (2):

Labcorp Genetics (formerly Invitae), Labcorp
Classification: Pathogenic for Hereditary hemochromatosis. Last evaluated: 2023-09-20. Review status: criteria provided, single submitter. Criteria: Invitae Variant Classification Sherloc (09022015). Collection method: clinical testing. Allele origin: germline.
Comment: This variant has not been reported in the literature in individuals affected with TFR2-related conditions. For these reasons, this variant has been classified as Pathogenic. This sequence change creates a premature translational stop signal (p.Leu175Aspfs*41) in the TFR2 gene. It is expected to result in an absent or disrupted protein product. Loss-of-function variants in TFR2 are known to be pathogenic (PMID: 23600741, 26029709). This variant is not present in population databases (gnomAD no frequency).

Baylor Genetics
Classification: Likely pathogenic for Hemochromatosis type 3. Last evaluated: 2023-04-28. Review status: criteria provided, single submitter. Criteria: ACMG Guidelines, 2015. Collection method: clinical testing. Allele origin: unknown.

Literature cited by the submitters: PubMed 23600741 (cited by Labcorp Genetics (formerly Invitae), Labcorp); PubMed 26029709 (cited by Labcorp Genetics (formerly Invitae), Labcorp).